The following is an entry in ClinVar:

NM_001376.5(DYNC1H1):c.11733A>T (p.Gly3911=)

Gene: DYNC1H1 (dynein cytoplasmic 1 heavy chain 1; plus strand). Cytogenetic location: 14q32.31.
Variant type: single nucleotide variant.
Coding change: c.11733A>T on transcript NM_001376.5 (MANE Select); coding-DNA position 11733, A replaced by T.
Protein change: p.Gly3911=; no amino-acid change (glycine 3911 retained).
Molecular consequence: synonymous variant.
Genome position (GRCh38, 1-based): chr14:102,040,278, A>T. VCF-style: chr14-102040278-A-T. GRCh37 (hg19) VCF-style: chr14-102506615-A-T.
Identifiers: ClinVar variation 1437330 (VCV001437330.8), dbSNP rs1241394733, ClinGen allele CA488186242.

ClinVar aggregate classification (germline): Uncertain significance (1 of 4 stars; one submission).

Conditions:
Charcot-Marie-Tooth disease axonal type 2O. Also called: Charcot-Marie-Tooth Neuropathy Type 2O; CHARCOT-MARIE-TOOTH NEUROPATHY, AXONAL, TYPE 2O; CHARCOT-MARIE-TOOTH DISEASE, AXONAL, AUTOSOMAL DOMINANT, TYPE 2O; Charcot-Marie-Tooth disease, axonal, type 20. Identifiers: Orphanet 284232, MedGen C3280220, MONDO:0013644, OMIM 614228.

Allele frequency attached by ClinVar (database versions not stated): TOPMed 0.00002; gnomAD 0.00003.
gnomAD v4.1: 4 of 1,614,064 alleles (0.00025%); highest among the groups gnomAD compares: Admixed American, 0.0067%; no homozygotes.

Submission:

Labcorp Genetics (formerly Invitae), Labcorp
Classification: Uncertain significance for Charcot-Marie-Tooth disease axonal type 2O. Last evaluated: 2021-01-21. Review status: criteria provided, single submitter. Criteria: Invitae Variant Classification Sherloc (09022015). Collection method: clinical testing. Allele origin: germline.
Comment: This sequence change affects codon 3911 of the DYNC1H1 mRNA. It is a 'silent' change, meaning that it does not change the encoded amino acid sequence of the DYNC1H1 protein. This variant is not present in population databases (ExAC no frequency). This variant has not been reported in the literature in individuals with DYNC1H1-related conditions. Algorithms developed to predict the effect of sequence changes on RNA splicing suggest that this variant may create or strengthen a splice site, but this prediction has not been confirmed by published transcriptional studies. In summary, the available evidence is currently insufficient to determine the role of this variant in disease. Therefore, it has been classified as a Variant of Uncertain Significance.